The following is an entry in ClinVar:

ClinVar aggregate classification (germline): Likely pathogenic (1 of 4 stars; one submission).

Submission:

Labcorp Genetics (formerly Invitae), Labcorp
Classification: Likely pathogenic. Last evaluated: 2025-05-05. Review status: criteria provided, single submitter. Criteria: Invitae Variant Classification Sherloc (09022015). Collection method: clinical testing. Allele origin: germline.
Comment: This sequence change replaces phenylalanine, which is neutral and non-polar, with leucine, which is neutral and non-polar, at codon 90 of the FOXL2 protein (p.Phe90Leu). This variant is not present in population databases (gnomAD no frequency). This missense change has been observed in individual(s) with autosomal dominant blepharophimosis, ptosis, and epicanthus inversus syndrome (internal data). An algorithm developed to predict the effect of missense changes on protein structure and function (PolyPhen-2) suggests that this variant is likely to be disruptive. This variant disrupts the p.Phe90 amino acid residue in FOXL2. Other variant(s) that disrupt this residue have been determined to be pathogenic (PMID: 18372316, 18642388). This suggests that this residue is clinically significant, and that variants that disrupt this residue are likely to be disease-causing. In summary, the currently available evidence indicates that the variant is pathogenic, but additional data are needed to prove that conclusively. Therefore, this variant has been classified as Likely Pathogenic.

Literature cited by the submitters: PubMed 18372316; PubMed 18642388.

NM_023067.4(FOXL2):c.270C>G (p.Phe90Leu)

Gene: FOXL2 (forkhead box L2; minus strand). Cytogenetic location: 3q22.3.
Variant type: single nucleotide variant.
Coding change: c.270C>G on transcript NM_023067.4 (MANE Select); coding-DNA position 270, C replaced by G.
Protein change: p.Phe90Leu; replaces phenylalanine 90 with leucine.
Molecular consequence: missense variant.
Genome position (GRCh38, 1-based): chr3:138,946,453, G>C on the plus strand (C>G on the coding strand, the complement: FOXL2 is on the minus strand). VCF-style: chr3-138946453-G-C. GRCh37 (hg19) VCF-style: chr3-138665295-G-C.
Other names: short protein forms F90L.
Identifiers: ClinVar variation 4719016 (VCV004719016.1).